The following is an entry in ClinVar:

ClinVar aggregate classification (germline): Uncertain significance (1 of 4 stars; one submission).

Allele frequency attached by ClinVar (database versions not stated): gnomAD exomes 0.00002.

Submission:

Labcorp Genetics (formerly Invitae), Labcorp
Classification: Uncertain significance. Last evaluated: 2021-08-30. Review status: criteria provided, single submitter. Criteria: Invitae Variant Classification Sherloc (09022015). Collection method: clinical testing. Allele origin: germline.
Comment: This sequence change replaces arginine with histidine at codon 381 of the LRP2 protein (p.Arg381His). The arginine residue is weakly conserved and there is a small physicochemical difference between arginine and histidine. This variant is not present in population databases (ExAC no frequency). This variant has not been reported in the literature in individuals affected with LRP2-related conditions. Advanced modeling of protein sequence and biophysical properties (such as structural, functional, and spatial information, amino acid conservation, physicochemical variation, residue mobility, and thermodynamic stability) performed at Invitae indicates that this missense variant is not expected to disrupt LRP2 protein function. In summary, the available evidence is currently insufficient to determine the role of this variant in disease. Therefore, it has been classified as a Variant of Uncertain Significance.

NM_004525.3(LRP2):c.1142G>A (p.Arg381His)

Gene: LRP2 (LDL receptor related protein 2; minus strand). Cytogenetic location: 2q31.1.
Variant type: single nucleotide variant.
Coding change: c.1142G>A on transcript NM_004525.3 (MANE Select); coding-DNA position 1142, G replaced by A.
Protein change: p.Arg381His; replaces arginine 381 with histidine.
Molecular consequence: missense variant.
Genome position (GRCh38, 1-based): chr2:169,282,902, C>T on the plus strand (G>A on the coding strand, the complement: LRP2 is on the minus strand). VCF-style: chr2-169282902-C-T. GRCh37 (hg19) VCF-style: chr2-170139412-C-T.
Other names: short protein forms R381H.
Identifiers: ClinVar variation 1507416 (VCV001507416.5), dbSNP rs1431305263, ClinGen allele CA349152236.